The following is an entry in ClinVar:

ClinVar aggregate classification (germline): Pathogenic (1 of 4 stars; one submission).

Conditions:
Hyperekplexia 3 (HKPX3). Also called: HYPEREKPLEXIA 3, AUTOSOMAL RECESSIVE; HYPEREKPLEXIA 3, AUTOSOMAL DOMINANT. Identifiers: Orphanet 3197, MedGen C3553288, MONDO:0013827, OMIM 614618.

Allele frequency attached by ClinVar (database versions not stated): ESP Exome Variant Server 0.00008.
gnomAD v4.1: 2 of 1,574,576 alleles (0.00013%); highest among the groups gnomAD compares: African/African-American, 0.0013%; no homozygotes.

Submission:

Labcorp Genetics (formerly Invitae), Labcorp
Classification: Pathogenic for Hyperekplexia 3. Last evaluated: 2025-09-03. Review status: criteria provided, single submitter. Criteria: Invitae Variant Classification Sherloc (09022015). Collection method: clinical testing. Allele origin: germline.
Comment: This sequence change affects a donor splice site in intron 13 of the SLC6A5 gene. It is expected to disrupt RNA splicing. Variants that disrupt the donor or acceptor splice site typically lead to a loss of protein function (PMID: 16199547), and loss-of-function variants in SLC6A5 are known to be pathogenic (PMID: 14622583, 16751771, 22700964). This variant is present in population databases (rs373223627, gnomAD 0.0009%). Disruption of this splice site has been observed in individual(s) with hyperekplexia (PMID: 22700964). In at least one individual the data is consistent with being in trans (on the opposite chromosome) from a pathogenic variant. ClinVar contains an entry for this variant (Variation ID: 2079085). Algorithms developed to predict the effect of sequence changes on RNA splicing suggest that this variant may disrupt the consensus splice site. For these reasons, this variant has been classified as Pathogenic.

Literature cited by the submitters: PubMed 16199547; PubMed 14622583; PubMed 16751771; PubMed 22700964.

NM_004211.5(SLC6A5):c.1969+1G>A

Gene: SLC6A5 (solute carrier family 6 member 5; plus strand). Cytogenetic location: 11p15.1.
Variant type: single nucleotide variant.
Coding change: c.1969+1G>A on transcript NM_004211.5 (MANE Select); the canonical splice donor site of the intron after coding-DNA position 1969, G replaced by A.
Molecular consequence: splice donor variant.
Genome position (GRCh38, 1-based): chr11:20,638,559, G>A. VCF-style: chr11-20638559-G-A. GRCh37 (hg19) VCF-style: chr11-20660105-G-A.
Other names: c.1267+1G>A (NM_001318369.2).
Identifiers: ClinVar variation 2079085 (VCV002079085.4), dbSNP rs373223627, ClinGen allele CA5921638.